The following is an entry in ClinVar:

ClinVar aggregate classification (germline): Pathogenic (1 of 4 stars; one submission).

Conditions:
Parkinsonian-pyramidal syndrome. Also called: PARKINSON DISEASE 15, AUTOSOMAL RECESSIVE EARLY-ONSET; PALLIDOPYRAMIDAL SYNDROME; PARKINSON DISEASE 15, AUTOSOMAL RECESSIVE. Identifiers: Orphanet 171695, MedGen C1850100, MONDO:0009830, OMIM 260300.

Submission:

Labcorp Genetics (formerly Invitae), Labcorp
Classification: Pathogenic for Parkinsonian-pyramidal syndrome. Last evaluated: 2024-01-22. Review status: criteria provided, single submitter. Criteria: Invitae Variant Classification Sherloc (09022015). Collection method: clinical testing. Allele origin: germline.
Comment: This sequence change creates a premature translational stop signal (p.Leu106Glyfs*8) in the FBXO7 gene. It is expected to result in an absent or disrupted protein product. Loss-of-function variants in FBXO7 are known to be pathogenic (PMID: 21347293). This variant is not present in population databases (gnomAD no frequency). This variant has not been reported in the literature in individuals affected with FBXO7-related conditions. For these reasons, this variant has been classified as Pathogenic.

Literature cited by the submitters: PubMed 21347293.

NM_012179.4(FBXO7):c.316_317del (p.Leu106fs)

Gene: FBXO7 (F-box protein 7; plus strand). Cytogenetic location: 22q12.3.
Variant type: Deletion.
Coding change: c.316_317del on transcript NM_012179.4 (MANE Select); coding-DNA positions 316 to 317, 2 bases deleted (TT; older notation c.316_317delTT).
Protein change: p.Leu106fs; shifts the reading frame from leucine 106.
Molecular consequence: frameshift variant. On other transcripts: 5 prime UTR variant (1).
Genome position (GRCh38, 1-based): chr22:32,479,174-32,479,175, TT deleted; deleting any 2 consecutive bases within chr22:32,479,173-32,479,175 gives the same sequence; the c. name uses the placement nearest the transcript's 3' end. VCF-style (leftmost placement, unchanged base first): chr22-32479172-CTT-C. GRCh37 (hg19) VCF-style: chr22-32875159-CTT-C.
Other names: c.79_80del, p.Leu27fs (NM_001033024.2); c.-27_-26del (NM_001257990.2); short protein forms L106fs, L27fs.
Identifiers: ClinVar variation 2830552 (VCV002830552.3), dbSNP rs1327023585, ClinGen allele CA2577697781.
Genomic context (GRCh38, chr22:32,479,172, plus strand): 5'-CTAATATACCTTCATCCACAGATTCAGAGCATTCTTCACTCCAGAATAATGAGCAACCCT[CTT>C]TGGCCACCAGCTCCAATCAGACTAGCATGCAGGATGAACAACCAAGTGATTCATTCCAAG-3'